The following is an entry in ClinVar:

ClinVar aggregate classification (germline): Uncertain significance (1 of 4 stars; one submission).

Conditions:
Cardiovascular phenotype. Identifiers: MedGen CN230736.

gnomAD v4.1: 1 of 1,613,930 alleles (0.000062%); no homozygotes.

Submission:

Ambry Genetics
Classification: Uncertain significance for Cardiovascular phenotype. Last evaluated: 2025-08-03. Review status: criteria provided, single submitter. Criteria: Ambry Variant Classification Scheme 2023. Collection method: clinical testing. Allele origin: germline.
Comment: The p.G437V variant (also known as c.1310G>T), located in coding exon 9 of the ABCG8 gene, results from a G to T substitution at nucleotide position 1310. The glycine at codon 437 is replaced by valine, an amino acid with dissimilar properties. This amino acid position is conserved. In addition, this alteration is predicted to be deleterious by in silico analysis. Based on the available evidence, the clinical significance of this variant remains unclear.

NM_022437.3(ABCG8):c.1310G>T (p.Gly437Val)

Gene: ABCG8 (ATP binding cassette subfamily G member 8; plus strand). Cytogenetic location: 2p21.
Variant type: single nucleotide variant.
Coding change: c.1310G>T on transcript NM_022437.3 (MANE Select); coding-DNA position 1310, G replaced by T.
Protein change: p.Gly437Val; replaces glycine 437 with valine.
Molecular consequence: missense variant.
Genome position (GRCh38, 1-based): chr2:43,873,885, G>T. VCF-style: chr2-43873885-G-T. GRCh37 (hg19) VCF-style: chr2-44101024-G-T.
Other names: c.1307G>T, p.Gly436Val (NM_001357321.2); short protein forms G436V, G437V.
Identifiers: ClinVar variation 4150666 (VCV004150666.1).